The following is an entry in ClinVar:

ClinVar aggregate classification (germline): Likely pathogenic (1 of 4 stars; one submission).

Conditions:
Brody myopathy. Also called: BRODY DISEASE. Identifiers: Orphanet 53347, MedGen C1832918, MONDO:0010977, OMIM 601003.

Submission:

Labcorp Genetics (formerly Invitae), Labcorp
Classification: Likely pathogenic for Brody myopathy. Last evaluated: 2021-08-15. Review status: criteria provided, single submitter. Criteria: Invitae Variant Classification Sherloc (09022015). Collection method: clinical testing. Allele origin: germline.
Comment: This sequence change affects a donor splice site in intron 1 of the ATP2A1 gene. It is expected to disrupt RNA splicing. Variants that disrupt the donor or acceptor splice site typically lead to a loss of protein function (PMID: 16199547), and loss-of-function variants in ATP2A1 are known to be pathogenic (PMID: 8841193, 10914677, 23911890). This variant is not present in population databases (ExAC no frequency). This variant has not been reported in the literature in individuals affected with ATP2A1-related conditions. Algorithms developed to predict the effect of sequence changes on RNA splicing suggest that this variant may disrupt the consensus splice site. In summary, the currently available evidence indicates that the variant is pathogenic, but additional data are needed to prove that conclusively. Therefore, this variant has been classified as Likely Pathogenic.

Literature cited by the submitters: PubMed 16199547; PubMed 8841193; PubMed 10914677; PubMed 23911890.

NM_004320.6(ATP2A1):c.118+1G>A

Gene: ATP2A1 (ATPase sarcoplasmic/endoplasmic reticulum Ca2+ transporting 1; plus strand). Cytogenetic location: 16p11.2.
Variant type: single nucleotide variant.
Coding change: c.118+1G>A on transcript NM_004320.6 (MANE Select); the canonical splice donor site of the intron after coding-DNA position 118, G replaced by A.
Molecular consequence: splice donor variant.
Genome position (GRCh38, 1-based): chr16:28,878,790, G>A. VCF-style: chr16-28878790-G-A. GRCh37 (hg19) VCF-style: chr16-28890111-G-A.
Other names: c.118+1G>A (NM_173201.5).
Identifiers: ClinVar variation 1487000 (VCV001487000.6), dbSNP rs992119026, ClinGen allele CA279225689.
Genomic context (GRCh38, chr16:28,878,790, plus strand): 5'-AGACCACGGGCCTCACCCCGGACCAAGTTAAGCGGAATCTGGAGAAATACGGCCTCAATG[G>A]TAAGTGTCCCTTGGAAGAGCGGCTGGTAATTAATGCCCTCCTGCACCCCCAAAACACACG-3'